The following is an entry in ClinVar:

ClinVar aggregate classification (germline): Uncertain significance (1 of 4 stars; one submission).

Conditions:
Cardiomyopathy (CMYO). Also called: Cardiomyopathies. Identifiers: Orphanet 167848, MedGen C0878544, MONDO:0004994, HP:0001638. Inheritance: Various modes of inheritance.

gnomAD v4.1: 6 of 1,603,574 alleles (0.00037%); highest among the groups gnomAD compares: African/African-American, 0.0013%; no homozygotes.

Submission:

Color Diagnostics, LLC DBA Color Health
Classification: Uncertain significance for Cardiomyopathy. Last evaluated: 2025-06-12. Review status: criteria provided, single submitter. Criteria: ACMG Guidelines, 2015. Collection method: clinical testing. Allele origin: germline.
Comment: This missense variant replaces proline with histidine at codon 3651 of the RYR2 protein. Computational prediction suggests that this variant may not impact protein structure and function. To our knowledge, functional studies have not been reported for this variant. This variant has not been reported in individuals affected with RYR2-related disorders in the literature. This variant has not been identified in the general population by the Genome Aggregation Database (gnomAD). The available evidence is insufficient to determine the role of this variant in disease conclusively. Therefore, this variant is classified as a Variant of Uncertain Significance.

NM_001035.3(RYR2):c.10952C>A (p.Pro3651His)

Gene: RYR2 (ryanodine receptor 2; plus strand). Cytogenetic location: 1q43.
Variant type: single nucleotide variant.
Coding change: c.10952C>A on transcript NM_001035.3 (MANE Select); coding-DNA position 10952, C replaced by A.
Protein change: p.Pro3651His; replaces proline 3651 with histidine.
Molecular consequence: missense variant.
Genome position (GRCh38, 1-based): chr1:237,732,062, C>A. VCF-style: chr1-237732062-C-A. GRCh37 (hg19) VCF-style: chr1-237895362-C-A.
Other names: short protein forms P3651H.
Identifiers: ClinVar variation 2774381 (VCV002774381.3), dbSNP rs1355761857, ClinGen allele CA345418930.